The following is an entry in ClinVar:

ClinVar aggregate classification (germline): Uncertain significance (1 of 4 stars; one submission).

Conditions:
Hereditary cancer-predisposing syndrome. Also called: Hereditary neoplastic syndrome; Neoplastic Syndromes, Hereditary; Tumor predisposition; Hereditary Cancer Syndrome. Identifiers: Orphanet 140162, MedGen C0027672, MeSH D009386, MONDO:0015356.

Submission:

Ambry Genetics
Classification: Uncertain significance for Hereditary cancer-predisposing syndrome. Last evaluated: 2025-08-27. Review status: criteria provided, single submitter. Criteria: Ambry Variant Classification Scheme 2023. Collection method: clinical testing. Allele origin: germline.
Comment: The p.V76A variant (also known as c.227T>C), located in coding exon 3 of the MUTYH gene, results from a T to C substitution at nucleotide position 227. The valine at codon 76 is replaced by alanine, an amino acid with similar properties. This amino acid position is conserved. In addition, this alteration is predicted to be tolerated by in silico analysis. Based on the available evidence, the clinical significance of this variant remains unclear.

NM_001048174.2(MUTYH):c.143T>C (p.Val48Ala)

Gene: MUTYH (mutY DNA glycosylase; minus strand). Cytogenetic location: 1p34.1.
Variant type: single nucleotide variant.
Coding change: c.143T>C on transcript NM_001048174.2 (MANE Select); coding-DNA position 143, T replaced by C.
Protein change: p.Val48Ala; replaces valine 48 with alanine.
Molecular consequence: missense variant. On other transcripts: 5 prime UTR variant (1), non-coding transcript variant (5), intron variant (5).
Genome position (GRCh38, 1-based): chr1:45,333,534, A>G on the plus strand (T>C on the coding strand, the complement: MUTYH is on the minus strand). VCF-style: chr1-45333534-A-G. GRCh37 (hg19) VCF-style: chr1-45799206-A-G.
Other names: c.143T>C, p.Val48Ala (NM_001048171.2, NM_001048173.2, NM_001293195.2 and 6 more transcripts); c.146T>C, p.Val49Ala (NM_001048172.2, NM_001407071.1, NM_001407078.1 and 2 more transcripts); c.227T>C, p.Val76Ala (NM_001128425.2); c.188T>C, p.Val63Ala (NM_001293190.2); c.176T>C, p.Val59Ala (NM_001293191.2, NM_001407077.1); c.-129T>C (NM_001350650.2); c.218T>C, p.Val73Ala (NM_001407069.1, NM_012222.3); c.185T>C, p.Val62Ala (NM_001407073.1, NM_001407083.1, NM_001407085.1); and 4 more; short protein forms V20A, V55A, V76A, V73A, V49A, V62A, V48A, V59A.
Identifiers: ClinVar variation 4113527 (VCV004113527.1).